The following is an entry in ClinVar:

NM_001370298.3(FGD4):c.683A>G (p.Asn228Ser)

Gene: FGD4 (FYVE, RhoGEF and PH domain containing 4; plus strand). Cytogenetic location: 12p11.21.
Variant type: single nucleotide variant.
Coding change: c.683A>G on transcript NM_001370298.3 (MANE Select); coding-DNA position 683, A replaced by G.
Protein change: p.Asn228Ser; replaces asparagine 228 with serine.
Molecular consequence: missense variant. On other transcripts: 5 prime UTR variant (5), non-coding transcript variant (1), intron variant (1).
Genome position (GRCh38, 1-based): chr12:32,582,139, A>G. VCF-style: chr12-32582139-A-G. GRCh37 (hg19) VCF-style: chr12-32735073-A-G.
Other names: c.527A>G, p.Asn176Ser (NM_001304481.2); c.-573A>G (NM_001304483.2); c.-880A>G (NM_001304484.2); c.-8A>G (NM_001330373.2, NM_001330374.2, NM_001384130.1); c.683A>G, p.Asn228Ser (NM_001384126.1); c.272A>G, p.Asn91Ser (NM_001384127.1, NM_001384128.1, NM_001384131.1 and 3 more transcripts); c.49-16358A>G (NM_001370297.1); short protein forms N176S, N91S, N228S.
Identifiers: ClinVar variation 972307 (VCV000972307.1), dbSNP rs1465985805, ClinGen allele CA384355894.
Genomic context (GRCh38, chr12:32,582,139, plus strand): 5'-TGCCACAGAGGCAGGGAAATGATACAGATAAGACTCAGGGTGCACAGACTTGTGTGGCCA[A>G]CGGTGTAATGGCAGCACAAAACCAGATGGAATGTGAGGAGGAGAAAGCTGCCACTCTTAG-3'
Protein context (NP_001357227.2, residues 218-238): KTQGAQTCVA[Asn228Ser]GVMAAQNQME

ClinVar aggregate classification (germline): Uncertain significance (1 of 4 stars; one submission).

Conditions:
Charcot-Marie-Tooth disease type 4. Also called: Charcot-Marie-Tooth, Type 4; Charcot-Marie-Tooth disease, type IV. Identifiers: Orphanet 64749, MedGen C4082197, MONDO:0018995.

Allele frequency attached by ClinVar (database versions not stated): gnomAD exomes below 0.00001; TOPMed below 0.00001.
gnomAD v4.1: 1 of 1,614,250 alleles (0.000062%); highest among the groups gnomAD compares: Admixed American, 0.0017%; no homozygotes.

Submission:

Labcorp Genetics (formerly Invitae), Labcorp
Classification: Uncertain significance for Charcot-Marie-Tooth disease type 4. Last evaluated: 2019-10-18. Review status: criteria provided, single submitter. Criteria: Invitae Variant Classification Sherloc (09022015). Collection method: clinical testing. Allele origin: germline.
Comment: This sequence change replaces asparagine with serine at codon 91 of the FGD4 protein (p.Asn91Ser). The asparagine residue is highly conserved and there is a small physicochemical difference between asparagine and serine. This variant is not present in population databases (ExAC no frequency). This variant has not been reported in the literature in individuals with FGD4-related conditions. Algorithms developed to predict the effect of missense changes on protein structure and function (SIFT, PolyPhen-2, Align-GVGD) all suggest that this variant is likely to be disruptive, but these predictions have not been confirmed by published functional studies and their clinical significance is uncertain. Algorithms developed to predict the effect of sequence changes on RNA splicing suggest that this variant may create or strengthen a splice site, but this prediction has not been confirmed by published transcriptional studies. In summary, the available evidence is currently insufficient to determine the role of this variant in disease. Therefore, it has been classified as a Variant of Uncertain Significance.